The following is an entry in ClinVar:

NM_000069.3(CACNA1S):c.1106G>T (p.Trp369Leu)

Gene: CACNA1S (calcium voltage-gated channel subunit alpha1 S; minus strand). Cytogenetic location: 1q32.1.
Variant type: single nucleotide variant.
Coding change: c.1106G>T on transcript NM_000069.3 (MANE Select); coding-DNA position 1106, G replaced by T.
Protein change: p.Trp369Leu; replaces tryptophan 369 with leucine.
Molecular consequence: missense variant.
Genome position (GRCh38, 1-based): chr1:201,085,480, C>A on the plus strand (G>T on the coding strand, the complement: CACNA1S is on the minus strand). VCF-style: chr1-201085480-C-A. GRCh37 (hg19) VCF-style: chr1-201054608-C-A.
Other names: short protein forms W369L.
Identifiers: ClinVar variation 1402620 (VCV001402620.8), dbSNP rs1558076931, ClinGen allele CA344129131.
Genomic context (GRCh38, chr1:201,085,480, plus strand): 5'-GCCTTTGGGCCCAAACCTTCTCTGAAGTCCTCAACATCCATGACCTCGCCCTGCGTGATC[C>A]AGCTCATGTAGCCCCGAAGGTCCTCATCTAGTTGCTGCTTCTCCCGGAGCTTCTGGAAGG-3'
Protein context (NP_000060.2, residues 359-379): LDEDLRGYMS[Trp369Leu]ITQGEVMDVE

ClinVar aggregate classification (germline): Uncertain significance (1 of 4 stars; one submission).

Conditions:
Hypokalemic periodic paralysis, type 1. Also called: Hypokalemic Periodic Paralysis Type 1 (AD); HypoPP. Identifiers: Orphanet 681, MedGen C3714580, MONDO:0042979, OMIM 170400.
Malignant hyperthermia, susceptibility to, 5 (MHS5). Also called: CACNA1S-Related Malignant Hyperthermia Susceptibility. Identifiers: Orphanet 423, MedGen C1866077, MONDO:0011163, OMIM 601887.

Submission:

Labcorp Genetics (formerly Invitae), Labcorp
Classification: Uncertain significance for Hypokalemic periodic paralysis, type 1; Malignant hyperthermia, susceptibility to, 5. Last evaluated: 2021-01-08. Review status: criteria provided, single submitter. Criteria: Invitae Variant Classification Sherloc (09022015). Collection method: clinical testing. Allele origin: germline.
Comment: In summary, the available evidence is currently insufficient to determine the role of this variant in disease. Therefore, it has been classified as a Variant of Uncertain Significance. Algorithms developed to predict the effect of missense changes on protein structure and function (SIFT, PolyPhen-2, Align-GVGD) all suggest that this variant is likely to be disruptive, but these predictions have not been confirmed by published functional studies and their clinical significance is uncertain. This variant has not been reported in the literature in individuals with CACNA1S-related conditions. This variant is not present in population databases (ExAC no frequency). This sequence change replaces tryptophan with leucine at codon 369 of the CACNA1S protein (p.Trp369Leu). The tryptophan residue is highly conserved and there is a small physicochemical difference between tryptophan and leucine.